The following is an entry in ClinVar:

NM_020971.3(SPTBN4):c.2808C>T (p.Arg936=)

Gene: SPTBN4 (spectrin beta, non-erythrocytic 4; plus strand). Cytogenetic location: 19q13.2.
Variant type: single nucleotide variant.
Coding change: c.2808C>T on transcript NM_020971.3 (MANE Select); coding-DNA position 2808, C replaced by T.
Protein change: p.Arg936=; no amino-acid change (arginine 936 retained).
Molecular consequence: synonymous variant.
Genome position (GRCh38, 1-based): chr19:40,515,353, C>T. VCF-style: chr19-40515353-C-T. GRCh37 (hg19) VCF-style: chr19-41021260-C-T.
Identifiers: ClinVar variation 2649888 (VCV002649888.22), dbSNP rs751083797, ClinGen allele CA9445918.
Genomic context (GRCh38, chr19:40,515,353, plus strand): 5'-ATCTCCATCCTCCTGCAGATTCGAGAGCCTGGACCAAGAGATGAACAGCCTGATGGGCCG[C>T]GTTCTGGACGTGAACCACACAGTCCAGGAGCTGGTGGAAGGAGGCCACCCCAGTTCAGAT-3'
Protein context (NP_066022.2, residues 926-946): LDQEMNSLMG[Arg936=]VLDVNHTVQE

ClinVar aggregate classification (germline): Likely benign (1 of 4 stars; one submission).

Allele frequency attached by ClinVar (database versions not stated): gnomAD 0.00001; TOPMed 0.00002; gnomAD exomes 0.00004; ExAC 0.00010.
gnomAD v4.1: 66 of 1,610,832 alleles (0.0041%); highest among the groups gnomAD compares: South Asian, 0.058%; 1 homozygote.

Submission:

CeGaT Center for Human Genetics Tuebingen
Classification: Likely benign. Last evaluated: 2023-01-01. Review status: criteria provided, single submitter. Criteria: CeGaT Center For Human Genetics Tuebingen Variant Classification Criteria Version 2. Collection method: clinical testing. Allele origin: germline. Affected: yes. Observed: 1 variant allele.
Comment: SPTBN4: BP4, BP7